The following is an entry in ClinVar:

NM_004360.5(CDH1):c.699C>T (p.His233=)

Gene: CDH1 (cadherin 1; plus strand). Cytogenetic location: 16q22.1.
Variant type: single nucleotide variant.
Coding change: c.699C>T on transcript NM_004360.5 (MANE Select); coding-DNA position 699, C replaced by T.
Protein change: p.His233=; no amino-acid change (histidine 233 retained).
Molecular consequence: synonymous variant. On other transcripts: 5 prime UTR variant (2).
Genome position (GRCh38, 1-based): chr16:68,810,208, C>T. VCF-style: chr16-68810208-C-T. GRCh37 (hg19) VCF-style: chr16-68844111-C-T.
Other names: p.H233H:CAC>CAT; c.699C>T (LRG_301t1); c.699C>T, p.His233= (NM_001317184.2); c.-917C>T (NM_001317185.2); c.-1121C>T (NM_001317186.2).
Identifiers: ClinVar variation 136693 (VCV000136693.36), dbSNP rs115494727, ClinGen allele CA290003.

ClinVar aggregate classification (germline): Conflicting classifications of pathogenicity. Review status: criteria provided, conflicting classifications (1 of 4 stars). 13 submissions from 13 submitters: Uncertain significance (1); Benign (3); Likely benign (8). 1 of the submissions does not count toward it. Last evaluated 2026-01-26.

Conditions:
CDH1-related disorder. Also called: CDH1-related condition.
Hereditary cancer-predisposing syndrome. Also called: Tumor predisposition; Hereditary neoplastic syndrome; Neoplastic Syndromes, Hereditary; Hereditary Cancer Syndrome. Identifiers: Orphanet 140162, MedGen C0027672, MeSH D009386, MONDO:0015356.
Hereditary diffuse gastric adenocarcinoma (HDGC). Also called: DIFFUSE GASTRIC AND LOBULAR BREAST CANCER SYNDROME. Identifiers: Orphanet 26106, MedGen C1708349, MONDO:0007648, OMIM 137215.

Allele frequency attached by ClinVar (database versions not stated): TOPMed 0.00003; gnomAD 0.00005; gnomAD exomes 0.00006 and 0.00009; ExAC 0.00007.
gnomAD v4.1: 135 of 1,614,038 alleles (0.0084%); highest among the groups gnomAD compares: Non-Finnish European, 0.01%; 1 homozygote.

Submissions (15):

Labcorp Genetics (formerly Invitae), Labcorp
Classification: Likely benign for Hereditary diffuse gastric adenocarcinoma. Last evaluated: 2026-01-26. Review status: criteria provided, single submitter. Criteria: Invitae Variant Classification Sherloc (09022015). Collection method: clinical testing. Allele origin: germline.

Center for Genomic Medicine, Rigshospitalet, Copenhagen University Hospital
Classification: Likely benign. Last evaluated: 2025-03-04. Review status: criteria provided, single submitter. Criteria: ACMG Guidelines, 2015. Collection method: clinical testing. Allele origin: germline.

Quest Diagnostics Nichols Institute San Juan Capistrano
Classification: Likely benign. Last evaluated: 2025-01-24. Review status: criteria provided, single submitter. Criteria: Quest Diagnostics criteria. Collection method: clinical testing. Allele origin: unknown.

Myriad Genetics, Inc.
Classification: Benign for Hereditary diffuse gastric adenocarcinoma. Last evaluated: 2024-09-13. Review status: criteria provided, single submitter. Criteria: Myriad Autosomal Dominant, Autosomal Recessive and X-Linked Classification Criteria (2023). Collection method: clinical testing. Allele origin: unknown.
Comment: This variant is considered benign. This variant is a silent/synonymous amino acid change and it is not expected to impact splicing.

Blueprint Genetics
Classification: Likely benign. Last evaluated: 2024-03-25. Review status: criteria provided, single submitter. Criteria: ACMG Guidelines, 2015. Collection method: clinical testing. Allele origin: germline.

European Reference Network on Genetic Tumour Risk Syndromes (ERN-GENTURIS), i3s - Instituto de Investigação e Inovação em Saúde, University of Porto
Classification: Uncertain significance for Hereditary diffuse gastric adenocarcinoma. Last evaluated: 2022-08-01. Review status: criteria provided, single submitter. Criteria: Lee et al. (Hum Mutat. 2018). Collection method: clinical testing. Allele origin: germline. Inheritance: Autosomal dominant inheritance. Affected: no. Study: ERN GENTURIS.
Comment: BP7 (PMID: 30311375)

Sema4
Classification: Likely benign for Hereditary cancer-predisposing syndrome. Last evaluated: 2021-05-28. Review status: criteria provided, single submitter. Criteria: Sema4 Curation Guidelines. Collection method: curation. Allele origin: germline.

Department of Pathology and Laboratory Medicine, Sinai Health System
Classification: Likely benign for Hereditary diffuse gastric adenocarcinoma. Last evaluated: 2021-03-23. Review status: criteria provided, single submitter. Criteria: ACMG Guidelines, 2015. Collection method: clinical testing. Allele origin: germline. Affected: yes.

Women's Health and Genetics/Laboratory Corporation of America, LabCorp
Classification: Benign. Last evaluated: 2019-09-11. Review status: criteria provided, single submitter. Criteria: LabCorp Variant Classification Summary - May 2015. Collection method: clinical testing. Allele origin: germline.

Color Diagnostics, LLC DBA Color Health
Classification: Likely benign for Hereditary cancer-predisposing syndrome. Last evaluated: 2015-11-13. Review status: criteria provided, single submitter. Criteria: ACMG Guidelines, 2015. Collection method: clinical testing. Allele origin: germline.

Ambry Genetics
Classification: Likely benign for Hereditary cancer-predisposing syndrome. Last evaluated: 2014-09-05. Review status: criteria provided, single submitter. Criteria: Ambry Variant Classification Scheme 2023. Collection method: clinical testing. Allele origin: germline.

GeneDx
Classification: Benign. Last evaluated: 2013-12-05. Review status: criteria provided, single submitter. Criteria: GeneDx Variant Classification (06012015). Collection method: clinical testing. Allele origin: germline. Affected: yes.
Comment: This variant is considered likely benign or benign based on one or more of the following criteria: it is a conservative change, it occurs at a poorly conserved position in the protein, it is predicted to be benign by multiple in silico algorithms, and/or has population frequency not consistent with disease.

PreventionGenetics, part of Exact Sciences
Classification: Likely benign for CDH1-related condition. Last evaluated: 2020-12-28. Review status: no assertion criteria provided. Collection method: clinical testing. Allele origin: germline. Not counted in ClinVar's aggregate classification.
Comment: This variant is classified as likely benign based on ACMG/AMP sequence variant interpretation guidelines (Richards et al. 2015 PMID: 25741868, with internal and published modifications).

Dr. Peter K. Rogan Lab, Western University
No classification provided (evidence only). Condition: Gastric cancer. Review status: no classification provided. Collection method: in vitro. Allele origin: not applicable. Functional consequence: retained intron. Not counted in ClinVar's aggregate classification.

Dr. Peter K. Rogan Lab, Western University
No classification provided (evidence only). Condition: Gastric cancer. Review status: no classification provided. Collection method: in vitro. Allele origin: not applicable. Functional consequence: retained intron. Not counted in ClinVar's aggregate classification.

Literature cited by the submitters: PubMed 36436516 (cited by Quest Diagnostics Nichols Institute San Juan Capistrano and European Reference Network on Genetic Tumour Risk Syndromes (ERN-GENTURIS), i3s - Instituto de Investigação e Inovação em Saúde, University of Porto).